The following is an entry in ClinVar:

ClinVar aggregate classification (germline): Uncertain significance (1 of 4 stars; one submission).

Submission:

GeneDx
Classification: Uncertain significance. Last evaluated: 2019-06-10. Review status: criteria provided, single submitter. Criteria: GeneDx Variant Classification Process June 2021. Collection method: clinical testing. Allele origin: germline. Affected: yes.
Comment: Not observed in large population cohorts (Lek et al., 2016); In silico analysis, which includes splice predictors and evolutionary conservation, supports a deleterious effect; Has not been previously published as pathogenic or benign to our knowledge

NM_007254.4(PNKP):c.123T>A (p.Val41=)

Gene: PNKP (polynucleotide kinase 3'-phosphatase; minus strand). Cytogenetic location: 19q13.33.
Variant type: single nucleotide variant.
Coding change: c.123T>A on transcript NM_007254.4 (MANE Select); coding-DNA position 123, T replaced by A.
Protein change: p.Val41=; no amino-acid change (valine 41 retained).
Molecular consequence: synonymous variant.
Genome position (GRCh38, 1-based): chr19:49,867,082, A>T on the plus strand (T>A on the coding strand, the complement: PNKP is on the minus strand). VCF-style: chr19-49867082-A-T. GRCh37 (hg19) VCF-style: chr19-50370339-A-T.
Identifiers: ClinVar variation 1306437 (VCV001306437.2), dbSNP rs2122344769, ClinGen allele CA508136739.